The following is an entry in ClinVar:

ClinVar aggregate classification (germline): Pathogenic. Review status: criteria provided, multiple submitters, no conflicts (2 of 4 stars). 9 submissions from 9 submitters: Pathogenic (8). 1 of the submissions does not count toward it. Last evaluated 2026-01-05.

Conditions:
Glutaric aciduria, type 1. Also called: Glutaryl-CoA dehydrogenase deficiency; GA I; Glutaricaciduria, type I; Glutaric Acidemia Type 1; Glutaric acidemia type I; Glutaricacidemia Type 1. Identifiers: Orphanet 25, MedGen C0268595, MONDO:0009281, OMIM 231670.

Allele frequency attached by ClinVar (database versions not stated): ExAC 0.00001; gnomAD 0.00001; gnomAD exomes 0.00001 and 0.00002; TOPMed 0.00003; ESP Exome Variant Server 0.00008.
gnomAD v4.1: 23 of 1,613,716 alleles (0.0014%); highest among the groups gnomAD compares: East Asian, 0.0089%; no homozygotes.

Submissions (9):

Natera, Inc.
Classification: Pathogenic for Glutaric acidemia type 1. Last evaluated: 2026-01-05. Review status: criteria provided, single submitter. Criteria: Natera Variant Classification Schema (03/2026). Collection method: clinical testing. Allele origin: germline.
Comment: The c.416C>T variant in GCDH is a missense variant predicted to cause substitution of serine to leucine at amino acid 139. This variant is rare in the general population with a frequency below the threshold expected for the associated phenotype(s). This variant has been observed in one or more individuals affected with the associated recessive disease, as either homozygous or compound heterozygous with a second variant (PMID: 20514322, 28389991). Computational prediction algorithms indicate this variant is likely to affect gene or protein function. Given the available evidence, this variant is classified as Pathogenic.

Labcorp Genetics (formerly Invitae), Labcorp
Classification: Pathogenic for Glutaric aciduria, type 1. Last evaluated: 2025-04-22. Review status: criteria provided, single submitter. Criteria: Invitae Variant Classification Sherloc (09022015). Collection method: clinical testing. Allele origin: germline.
Comment: This sequence change replaces serine, which is neutral and polar, with leucine, which is neutral and non-polar, at codon 139 of the GCDH protein (p.Ser139Leu). This variant is present in population databases (rs139851890, gnomAD 0.008%). This missense change has been observed in individual(s) with glutaric aciduria type I (PMID: 6377226, 20514322, 21176883, 26656312, 28143689). ClinVar contains an entry for this variant (Variation ID: 188921). Invitae Evidence Modeling of protein sequence and biophysical properties (such as structural, functional, and spatial information, amino acid conservation, physicochemical variation, residue mobility, and thermodynamic stability) indicates that this missense variant is expected to disrupt GCDH protein function with a positive predictive value of 80%. For these reasons, this variant has been classified as Pathogenic.

GeneDx
Classification: Pathogenic. Last evaluated: 2025-02-20. Review status: criteria provided, single submitter. Criteria: GeneDx Variant Classification Process June 2021. Collection method: clinical testing. Allele origin: germline. Affected: yes.
Comment: Published functional studies demonstrate a damaging effect with p.(S139L) resulting in significantly reduced enzymatic activity (PMID: 9711871); Not observed at significant frequency in large population cohorts (gnomAD); In silico analysis supports that this missense variant has a deleterious effect on protein structure/function; This variant is associated with the following publications: (PMID: 25087612, 28143689, 37020324, 38693247, 9711871, 16377226, 21176883)

Department of Genetics, Sultan Qaboos University Hospital
Classification: Pathogenic for Glutaric aciduria, type 1. Last evaluated: 2024-06-12. Review status: criteria provided, single submitter. Criteria: ACMG Guidelines, 2015. Collection method: curation. Allele origin: unknown. Affected: yes.

Baylor Genetics
Classification: Pathogenic for Glutaric aciduria, type 1. Last evaluated: 2023-11-28. Review status: criteria provided, single submitter. Criteria: ACMG Guidelines, 2015. Collection method: clinical testing. Allele origin: unknown.

Mendelics
Classification: Pathogenic for Glutaric aciduria, type 1. Last evaluated: 2022-05-04. Review status: criteria provided, single submitter. Criteria: Mendelics Assertion Criteria 2019. Collection method: clinical testing. Allele origin: germline.

CeGaT Center for Human Genetics Tuebingen
Classification: Pathogenic. Last evaluated: 2019-09-01. Review status: criteria provided, single submitter. Criteria: CeGaT Center For Human Genetics Tuebingen Variant Classification Criteria Version 2. Collection method: clinical testing. Allele origin: germline. Affected: yes. Observed: 1 variant allele.

Fulgent Genetics
Classification: Pathogenic for Glutaric aciduria, type 1. Last evaluated: 2018-10-31. Review status: criteria provided, single submitter. Criteria: ACMG Guidelines, 2015. Collection method: clinical testing. Allele origin: unknown.

Counsyl
Classification: Likely pathogenic for Glutaric aciduria, type 1. Last evaluated: 2014-08-20. Review status: no assertion criteria provided. Collection method: literature only. Allele origin: unknown. Inheritance: Autosomal recessive inheritance. Not counted in ClinVar's aggregate classification.

Literature cited by the submitters: PubMed 20514322 (cited by 3 submitters); PubMed 28389991 (cited by Natera, Inc.); PubMed 6377226 (cited by Labcorp Genetics (formerly Invitae), Labcorp); PubMed 21176883 (cited by Labcorp Genetics (formerly Invitae), Labcorp and Counsyl); PubMed 26656312 (cited by Labcorp Genetics (formerly Invitae), Labcorp); PubMed 28143689 (cited by Labcorp Genetics (formerly Invitae), Labcorp); PubMed 9711871 (cited by Counsyl); PubMed 16377226 (cited by Counsyl).

NM_000159.4(GCDH):c.416C>T (p.Ser139Leu)

Gene: GCDH (glutaryl-CoA dehydrogenase; plus strand). Cytogenetic location: 19p13.13.
Variant type: single nucleotide variant.
Coding change: c.416C>T on transcript NM_000159.4 (MANE Select); coding-DNA position 416, C replaced by T.
Protein change: p.Ser139Leu; replaces serine 139 with leucine.
Molecular consequence: missense variant. On other transcripts: non-coding transcript variant (2).
Genome position (GRCh38, 1-based): chr19:12,893,564, C>T. VCF-style: chr19-12893564-C-T. GRCh37 (hg19) VCF-style: chr19-13004378-C-T.
Other names: c.416C>T, p.Ser139Leu (NM_013976.5); short protein forms S139L.
Identifiers: ClinVar variation 188921 (VCV000188921.65), dbSNP rs139851890, ClinGen allele CA274128.